The following is an entry in ClinVar:

NM_001267550.2(TTN):c.13786G>T (p.Ala4596Ser)

Gene: TTN (titin; minus strand). Cytogenetic location: 2q31.2.
Variant type: single nucleotide variant.
Coding change: c.13786G>T on transcript NM_001267550.2 (MANE Select); coding-DNA position 13786, G replaced by T.
Protein change: p.Ala4596Ser; replaces alanine 4596 with serine.
Molecular consequence: missense variant. On other transcripts: intron variant (1).
Genome position (GRCh38, 1-based): chr2:178,739,447, C>A on the plus strand (G>T on the coding strand, the complement: TTN is on the minus strand). VCF-style: chr2-178739447-C-A. GRCh37 (hg19) VCF-style: chr2-179604174-C-A.
Other names: c.12835G>T, p.Ala4279Ser (NM_001256850.1); c.12697G>T, p.Ala4233Ser (NM_003319.4); c.13072G>T, p.Ala4358Ser (NM_133432.3); c.13273G>T, p.Ala4425Ser (NM_133437.4); c.10361-1087G>T (NM_133378.4); short protein forms A4279S, A4596S, A4358S, A4425S, A4233S.
Identifiers: ClinVar variation 508484 (VCV000508484.1), dbSNP rs1308710134, ClinGen allele CA349606476.
Genomic context (GRCh38, chr2:178,739,447, plus strand): 5'-CAGTGTCCACTAAAGGTGTATGTATCATGGGGCCATCCTCTTTGATTAAGCCACCCTCAG[C>A]TTCCTGTATCTTTACTGTAGCAACCTCCTCAGTACCACTTTCAGAGGAAGACTCCTCTTT-3'
Protein context (NP_001254479.2, residues 4586-4606): EEVATVKIQE[Ala4596Ser]EGGLIKEDGP

ClinVar aggregate classification (germline): Likely benign (1 of 4 stars; one submission).

Allele frequency attached by ClinVar (database versions not stated): gnomAD exomes below 0.00001.
gnomAD v4.1: 5 of 1,613,768 alleles (0.00031%); highest among the groups gnomAD compares: Non-Finnish European, 0.00034%; no homozygotes.

Submission:

GeneDx
Classification: Likely benign. Last evaluated: 2017-03-23. Review status: criteria provided, single submitter. Criteria: GeneDx Variant Classification (06012015). Collection method: clinical testing. Allele origin: germline. Affected: yes.
Comment: This variant is considered likely benign or benign based on one or more of the following criteria: it is a conservative change, it occurs at a poorly conserved position in the protein, it is predicted to be benign by multiple in silico algorithms, and/or has population frequency not consistent with disease.